The following is an entry in ClinVar:

ClinVar aggregate classification (germline): Likely benign (1 of 4 stars; one submission).

Submission:

CeGaT Center for Human Genetics Tuebingen
Classification: Likely benign. Last evaluated: 2022-11-01. Review status: criteria provided, single submitter. Criteria: CeGaT Center For Human Genetics Tuebingen Variant Classification Criteria Version 2. Collection method: clinical testing. Allele origin: germline. Affected: yes. Observed: 1 variant allele.
Comment: GRTP1: BS2

NM_024719.4(GRTP1):c.466-1710_466-1709insCG

Gene: GRTP1 (growth hormone regulated TBC protein 1; minus strand). Cytogenetic location: 13q34.
Variant type: Insertion.
Coding change: c.466-1710_466-1709insCG on transcript NM_024719.4 (MANE Select); 1710 bases into the intron before coding-DNA position 466 through 1709 bases into the intron before coding-DNA position 466, CG inserted.
Molecular consequence: intron variant.
Genome position: GRCh38 VCF-style: chr13-113346668-C-CCG. GRCh37 (hg19) VCF-style: chr13-114000983-C-CCG.
Other names: c.466-1710_466-1709insCG (NM_001286733.1, NM_001286732.2); c.232-1710_232-1709insCG (NM_001411029.1).
Identifiers: ClinVar variation 2643996 (VCV002643996.24), dbSNP rs1353919037, ClinGen allele CA612715742.